The following is an entry in ClinVar:

Conditions:
Breast-ovarian cancer, familial, susceptibility to, 1 (BROVCA1). Also called: BRCA1 Hereditary Breast and Ovarian Cancer; OVARIAN CANCER, SUSCEPTIBILITY TO. Identifiers: Orphanet 145, MedGen C2676676, MONDO:0011450, OMIM 604370. Disease mechanism: loss of function.

Allele frequency attached by ClinVar (database versions not stated): gnomAD exomes below 0.00001.

Submission:

Brotman Baty Institute, University of Washington
No classification provided (evidence only). Condition: Breast-ovarian cancer, familial 1. Review status: no classification provided. Collection method: in vitro. Allele origin: not applicable. Functional consequence: function_uncertain_variant.
ClinVar note: "not provided" was previously submitted as the classification for the variant. However, the classification appeared to be based only on an observation of functional data so it was converted to no classification on 2025-07-30.

NM_007294.4(BRCA1):c.5193+2T>A

Gene: BRCA1 (BRCA1 DNA repair associated; minus strand). Cytogenetic location: 17q21.31.
Variant type: single nucleotide variant.
Coding change: c.5193+2T>A on transcript NM_007294.4 (MANE Select); the canonical splice donor site of the intron after coding-DNA position 5193, T replaced by A.
Molecular consequence: splice donor variant.
Genome position (GRCh38, 1-based): chr17:43,063,331, A>T on the plus strand (T>A on the coding strand, the complement: BRCA1 is on the minus strand). VCF-style: chr17-43063331-A-T. GRCh37 (hg19) VCF-style: chr17-41215348-A-T.
Other names: c.4986+2T>A (NM_001407875.1, NM_001407874.1); c.5109+2T>A (NM_001407659.1, NM_001407662.1, NM_001407660.1 and 2 more transcripts); c.1803+2T>A (NM_001408412.1, NM_001408413.1, NM_001408416.1 and 2 more transcripts); c.5112+2T>A (NM_001407656.1, NM_001407657.1, NM_001407658.1); c.5115+2T>A (NM_001407654.1, NM_001407652.1, NM_001407653.1 and 1 more transcripts); c.1542+2T>A (NM_001408509.1); c.1545+2T>A (NM_001408508.1); c.1671+2T>A (NM_001408491.1, NM_001408481.1, NM_001408490.1 and 5 more transcripts); and 72 more.
Identifiers: ClinVar variation 868127 (VCV000868127.3), dbSNP rs886040915, ClinGen allele CA10591153.